The following is an entry in ClinVar:

NM_033064.5(ATCAY):c.*823C>T

Gene: ATCAY (ATCAY kinesin light chain interacting caytaxin; plus strand). Cytogenetic location: 19p13.3.
Variant type: single nucleotide variant.
Coding change: c.*823C>T on transcript NM_033064.5 (MANE Select); 823 bases downstream of the stop codon, C replaced by T.
Molecular consequence: 3 prime UTR variant.
Genome position (GRCh38, 1-based): chr19:3,925,415, C>T. VCF-style: chr19-3925415-C-T. GRCh37 (hg19) VCF-style: chr19-3925413-C-T.
Identifiers: ClinVar variation 329170 (VCV000329170.6), dbSNP rs10424392, ClinGen allele CA10648697.

ClinVar aggregate classification (germline): Benign. Review status: criteria provided, multiple submitters, no conflicts (2 of 4 stars). 2 submissions from 2 submitters: Benign (2). Last evaluated 2018-01-12.

Conditions:
Cayman type cerebellar ataxia. Also called: Cayman ataxia. Identifiers: Orphanet 94122, MedGen C1832585, MONDO:0011025, OMIM 601238.

Allele frequency attached by ClinVar (database versions not stated): gnomAD exomes 0.38889; gnomAD 0.39386 and 0.40295; TOPMed 0.41272; 1000 Genomes Project 30x 0.48189; 1000 Genomes Project 0.48542.

Submissions (2):

Illumina Laboratory Services, Illumina
Classification: Benign for Cayman type cerebellar ataxia. Last evaluated: 2018-01-12. Review status: criteria provided, single submitter. Criteria: ICSL Variant Classification Criteria 13 December 2019. Collection method: clinical testing. Allele origin: germline.
Comment: This variant was observed in the ICSL laboratory as part of a predisposition screen in an ostensibly healthy population. It had not been previously curated by ICSL or reported in the Human Gene Mutation Database (HGMD: prior to June 1st, 2018), and was therefore a candidate for classification through an automated scoring system. Utilizing variant allele frequency, disease prevalence and penetrance estimates, and inheritance mode, an automated score was calculated to assess if this variant is too frequent to cause the disease. Based on the score and internal cut-off values, a variant classified as benign is not then subjected to further curation. The score for this variant resulted in a classification of benign for this disease.

Breakthrough Genomics
Classification: Benign. Review status: criteria provided, single submitter. Criteria: ACMG Guidelines, 2015. Collection method: not provided. Allele origin: germline. Inheritance: Autosomal recessive inheritance. Affected: yes.